The following is an entry in ClinVar:

ClinVar aggregate classification (germline): Uncertain significance (1 of 4 stars; one submission).

Conditions:
Cystic fibrosis (CF). Also called: MUCOVISCIDOSIS. Identifiers: Orphanet 586, MedGen C0010674, MONDO:0009061, OMIM 219700. Disease mechanism: loss of function.

Submission:

Labcorp Genetics (formerly Invitae), Labcorp
Classification: Uncertain significance for Cystic fibrosis. Last evaluated: 2024-04-29. Review status: criteria provided, single submitter. Criteria: Invitae Variant Classification Sherloc (09022015). Collection method: clinical testing. Allele origin: germline.
Comment: This sequence change replaces glutamine, which is neutral and polar, with leucine, which is neutral and non-polar, at codon 290 of the CFTR protein (p.Gln290Leu). This variant is not present in population databases (gnomAD no frequency). This variant has not been reported in the literature in individuals affected with CFTR-related conditions. An algorithm developed to predict the effect of missense changes on protein structure and function (PolyPhen-2) suggests that this variant is likely to be tolerated. In summary, the available evidence is currently insufficient to determine the role of this variant in disease. Therefore, it has been classified as a Variant of Uncertain Significance.

NM_000492.4(CFTR):c.869A>T (p.Gln290Leu)

Gene: CFTR (CF transmembrane conductance regulator; plus strand). Cytogenetic location: 7q31.2.
Variant type: single nucleotide variant.
Coding change: c.869A>T on transcript NM_000492.4 (MANE Select); coding-DNA position 869, A replaced by T.
Protein change: p.Gln290Leu; replaces glutamine 290 with leucine.
Molecular consequence: missense variant.
Genome position (GRCh38, 1-based): chr7:117,536,673, A>T. VCF-style: chr7-117536673-A-T. GRCh37 (hg19) VCF-style: chr7-117176727-A-T.
Other names: short protein forms Q290L.
Identifiers: ClinVar variation 2728885 (VCV002728885.3), dbSNP rs1301772800, ClinGen allele CA368977592.